The following is an entry in ClinVar:

NM_006031.6(PCNT):c.706C>G (p.Leu236Val)

Gene: PCNT (pericentrin; plus strand). Cytogenetic location: 21q22.3.
Variant type: single nucleotide variant.
Coding change: c.706C>G on transcript NM_006031.6 (MANE Select); coding-DNA position 706, C replaced by G.
Protein change: p.Leu236Val; replaces leucine 236 with valine.
Molecular consequence: missense variant.
Genome position (GRCh38, 1-based): chr21:46,346,194, C>G. VCF-style: chr21-46346194-C-G. GRCh37 (hg19) VCF-style: chr21-47766108-C-G.
Other names: c.352C>G, p.Leu118Val (NM_001315529.2); short protein forms L118V, L236V.
Identifiers: ClinVar variation 3350222 (VCV003350222.1).

ClinVar aggregate classification (germline): Uncertain significance (0 of 4 stars; one submission).

Conditions:
PCNT-related disorder. Also called: PCNT-related condition.

Submission:

PreventionGenetics, part of Exact Sciences
Classification: Uncertain significance for PCNT-related condition. Last evaluated: 2023-11-19. Review status: no assertion criteria provided. Collection method: clinical testing. Allele origin: germline.
Comment: The PCNT c.706C>G variant is predicted to result in the amino acid substitution p.Leu236Val. To our knowledge, this variant has not been reported in the literature or in a large population database, indicating this variant is rare. At this time, the clinical significance of this variant is uncertain due to the absence of conclusive functional and genetic evidence.